The following is an entry in ClinVar:

NM_001378615.1(CC2D2A):c.3015-5A>G

Genes: CC2D2A (coiled-coil and C2 domain containing 2A; plus strand), FBXL5 (F-box and leucine rich repeat protein 5; minus strand). Cytogenetic location: 4p15.32.
Variant type: single nucleotide variant.
Coding change: c.3015-5A>G on transcript NM_001378615.1 (MANE Select); 5 bases into the intron before coding-DNA position 3015, A replaced by G.
Molecular consequence: intron variant.
Genome position (GRCh38, 1-based): chr4:15,563,350, A>G. VCF-style: chr4-15563350-A-G. GRCh37 (hg19) VCF-style: chr4-15564973-A-G.
Other names: c.3015-5A>G (NM_001080522.2); c.2868-5A>G (NM_001378617.1).
Identifiers: ClinVar variation 1933540 (VCV001933540.7), dbSNP rs754827031, ClinGen allele CA92513473.

ClinVar aggregate classification (germline): Likely benign. Review status: criteria provided, single submitter (1 of 4 stars). 2 submissions from 2 submitters: Likely benign (1). 1 of the submissions does not count toward it. Last evaluated 2025-09-10.

Conditions:
Joubert syndrome. Also called: Familial aplasia of the vermis; JOUBERT-BOLTSHAUSER SYNDROME. Identifiers: Orphanet 475, MedGen C5979921, MONDO:0018772.
Meckel-Gruber syndrome. Also called: Dysencephalia splachnocystica; DYSENCEPHALIA SPLANCHNOCYSTICA; GRUBER SYNDROME. Identifiers: Orphanet 564, MedGen C0265215, MONDO:0018921.
CC2D2A-related disorder. Also called: CC2D2A-related disorders; CC2D2A-related condition. Identifiers: MedGen CN239313.

Allele frequency attached by ClinVar (database versions not stated): gnomAD 0.00001; gnomAD exomes 0.00001; TOPMed 0.00001; 1000 Genomes Project 30x 0.00016.
gnomAD v4.1: 27 of 1,596,370 alleles (0.0017%); highest among the groups gnomAD compares: East Asian, 0.0045%; no homozygotes.

Submissions (2):

Labcorp Genetics (formerly Invitae), Labcorp
Classification: Likely benign for Joubert syndrome; Meckel-Gruber syndrome. Last evaluated: 2025-09-10. Review status: criteria provided, single submitter. Criteria: Invitae Variant Classification Sherloc (09022015). Collection method: clinical testing. Allele origin: germline.

PreventionGenetics, part of Exact Sciences
Classification: Likely benign for CC2D2A-related condition. Last evaluated: 2022-10-10. Review status: no assertion criteria provided. Collection method: clinical testing. Allele origin: germline. Not counted in ClinVar's aggregate classification.
Comment: This variant is classified as likely benign based on ACMG/AMP sequence variant interpretation guidelines (Richards et al. 2015 PMID: 25741868, with internal and published modifications).